The following is an entry in ClinVar:

ClinVar aggregate classification (germline): Pathogenic (0 of 4 stars; one submission).

Conditions:
Roberts-SC phocomelia syndrome (RBS). Also called: Hypomelia hypotrichosis facial hemangioma syndrome; ESCO2 Spectrum Disorder; Pseudothalidomide syndrome; Appelt-Gerken-Lenz syndrome; LONG BONE DEFICIENCIES ASSOCIATED WITH CLEFT LIP-PALATE. Identifiers: Orphanet 3103, MedGen C0392475, MONDO:0100253, OMIM 268300.

Submission:

GeneReviews
Classification: Pathogenic for Roberts Syndrome. Last evaluated: 2008-10-02. Review status: no assertion criteria provided. Collection method: curation. Allele origin: unknown.
ClinVar note: Converted during submission from pathologic to Pathogenic.

NM_001017420.3(ESCO2):c.1597dup (p.Cys533fs)

Gene: ESCO2 (establishment of sister chromatid cohesion N-acetyltransferase 2; plus strand). Cytogenetic location: 8p21.1.
Variant type: Duplication.
Coding change: c.1597dup on transcript NM_001017420.3 (MANE Select); coding-DNA position 1597, one base duplicated (T; older notation c.1597dupT).
Protein change: p.Cys533fs; shifts the reading frame from cysteine 533.
Molecular consequence: frameshift variant.
Genome position (GRCh38, 1-based): chr8:27,799,640, T duplicated. VCF-style (leftmost placement, unchanged base first): chr8-27799639-C-CT. GRCh37 (hg19) VCF-style: chr8-27657156-C-CT.
Other names: c.1597_1598dupT (NM_001017420.2); short protein forms C533fs.
Identifiers: ClinVar variation 21238 (VCV000021238.4), dbSNP rs80359867, ClinGen allele CA341785.